The following is an entry in ClinVar:

NM_000059.4(BRCA2):c.5296A>C (p.Asn1766His)

Gene: BRCA2 (BRCA2 DNA repair associated; plus strand). Cytogenetic location: 13q13.1.
Variant type: single nucleotide variant.
Coding change: c.5296A>C on transcript NM_000059.4 (MANE Select); coding-DNA position 5296, A replaced by C.
Protein change: p.Asn1766His; replaces asparagine 1766 with histidine.
Molecular consequence: missense variant. On other transcripts: non-coding transcript variant (1), intron variant (2).
Genome position (GRCh38, 1-based): chr13:32,339,651, A>C. VCF-style: chr13-32339651-A-C. GRCh37 (hg19) VCF-style: chr13-32913788-A-C.
Other names: c.5296A>C, p.Asn1766His (NM_001406719.1, NM_001406720.1, NM_001432077.1); c.1910-4907A>C (NM_001406721.1); c.425-4907A>C (NM_001406722.1); short protein forms N1766H.
Identifiers: ClinVar variation 3482160 (VCV003482160.1).

ClinVar aggregate classification (germline): Uncertain significance (1 of 4 stars; one submission).

Conditions:
Hereditary cancer-predisposing syndrome. Also called: Tumor predisposition; Neoplastic Syndromes, Hereditary; Hereditary Cancer Syndrome; Hereditary neoplastic syndrome. Identifiers: Orphanet 140162, MedGen C0027672, MeSH D009386, MONDO:0015356.

Submission:

Ambry Genetics
Classification: Uncertain significance for Hereditary cancer-predisposing syndrome. Last evaluated: 2024-11-01. Review status: criteria provided, single submitter. Criteria: Ambry Variant Classification Scheme 2023. Collection method: clinical testing. Allele origin: germline.
Comment: The p.N1766H variant (also known as c.5296A>C), located in coding exon 10 of the BRCA2 gene, results from an A to C substitution at nucleotide position 5296. The asparagine at codon 1766 is replaced by histidine, an amino acid with similar properties. This amino acid position is conserved. In addition, this alteration is predicted to be tolerated by in silico analysis. Based on the available evidence, the clinical significance of this variant remains unclear.